The following is an entry in ClinVar:

ClinVar aggregate classification (germline): Uncertain significance (1 of 4 stars; one submission).

Submission:

Labcorp Genetics (formerly Invitae), Labcorp
Classification: Uncertain significance. Last evaluated: 2023-11-20. Review status: criteria provided, single submitter. Criteria: Invitae Variant Classification Sherloc (09022015). Collection method: clinical testing. Allele origin: germline.
Comment: This sequence change replaces proline, which is neutral and non-polar, with serine, which is neutral and polar, at codon 138 of the PSMG2 protein (p.Pro138Ser). This variant is not present in population databases (gnomAD no frequency). This variant has not been reported in the literature in individuals affected with PSMG2-related conditions. An algorithm developed to predict the effect of missense changes on protein structure and function (PolyPhen-2) suggests that this variant is likely to be tolerated. In summary, the available evidence is currently insufficient to determine the role of this variant in disease. Therefore, it has been classified as a Variant of Uncertain Significance.

NM_020232.5(PSMG2):c.412C>T (p.Pro138Ser)

Gene: PSMG2 (proteasome assembly chaperone 2; plus strand). Cytogenetic location: 18p11.21.
Variant type: single nucleotide variant.
Coding change: c.412C>T on transcript NM_020232.5 (MANE Select); coding-DNA position 412, C replaced by T.
Protein change: p.Pro138Ser; replaces proline 138 with serine.
Molecular consequence: missense variant.
Genome position (GRCh38, 1-based): chr18:12,720,514, C>T. VCF-style: chr18-12720514-C-T. GRCh37 (hg19) VCF-style: chr18-12720513-C-T.
Other names: c.319C>T, p.Pro107Ser (NM_147163.2); short protein forms P107S, P138S.
Identifiers: ClinVar variation 2982620 (VCV002982620.3), dbSNP rs1460991180, ClinGen allele CA401968055.